The following is an entry in ClinVar:

ClinVar aggregate classification (germline): Uncertain significance (1 of 4 stars; one submission).

Submission:

Labcorp Genetics (formerly Invitae), Labcorp
Classification: Uncertain significance. Last evaluated: 2022-07-26. Review status: criteria provided, single submitter. Criteria: Invitae Variant Classification Sherloc (09022015). Collection method: clinical testing. Allele origin: germline.
Comment: In summary, the available evidence is currently insufficient to determine the role of this variant in disease. Therefore, it has been classified as a Variant of Uncertain Significance. Algorithms developed to predict the effect of missense changes on protein structure and function are either unavailable or do not agree on the potential impact of this missense change (SIFT: "Deleterious"; PolyPhen-2: "Probably Damaging"; Align-GVGD: "Class C15"). ClinVar contains an entry for this variant (Variation ID: 1463320). This variant has not been reported in the literature in individuals affected with IFT81-related conditions. This variant is not present in population databases (gnomAD no frequency). This sequence change replaces arginine, which is basic and polar, with glycine, which is neutral and non-polar, at codon 210 of the IFT81 protein (p.Arg210Gly).

NM_014055.4(IFT81):c.628A>G (p.Arg210Gly)

Gene: IFT81 (intraflagellar transport 81; plus strand). Cytogenetic location: 12q24.11.
Variant type: single nucleotide variant.
Coding change: c.628A>G on transcript NM_014055.4 (MANE Select); coding-DNA position 628, A replaced by G.
Protein change: p.Arg210Gly; replaces arginine 210 with glycine.
Molecular consequence: missense variant. On other transcripts: 5 prime UTR variant (2), non-coding transcript variant (4).
Genome position (GRCh38, 1-based): chr12:110,135,369, A>G. VCF-style: chr12-110135369-A-G. GRCh37 (hg19) VCF-style: chr12-110573174-A-G.
Other names: c.628A>G, p.Arg210Gly (NM_001143779.2, NM_001347946.2, NM_031473.4); c.-139A>G (NM_001347947.2, NM_001347948.2); short protein forms R210G.
Identifiers: ClinVar variation 1463320 (VCV001463320.6), dbSNP rs2137320308, ClinGen allele CA386910072.